The following is an entry in ClinVar:

NM_007118.4(TRIO):c.3377A>G (p.Tyr1126Cys)

Gene: TRIO (trio Rho guanine nucleotide exchange factor; plus strand). Cytogenetic location: 5p15.2.
Variant type: single nucleotide variant.
Coding change: c.3377A>G on transcript NM_007118.4 (MANE Select); coding-DNA position 3377, A replaced by G.
Protein change: p.Tyr1126Cys; replaces tyrosine 1126 with cysteine.
Molecular consequence: missense variant. On other transcripts: non-coding transcript variant (1).
Genome position (GRCh38, 1-based): chr5:14,378,057, A>G. VCF-style: chr5-14378057-A-G. GRCh37 (hg19) VCF-style: chr5-14378166-A-G.
Other names: short protein forms Y1126C.
Identifiers: ClinVar variation 4527273 (VCV004527273.1).
Genomic context (GRCh38, chr5:14,378,057, plus strand): 5'-TCTTTTTTCTCTCAGATATCTTGAATGAACTCTTCCAACGGGAGAACAGGGTATTGCATT[A>G]CTGGACCATGAGGAAGAGACGGCTGGACCAGTGTCAGCAGTACGTGGTCTTTGAGAGGAG-3'
Protein context (NP_009049.2, residues 1116-1136): LFQRENRVLH[Tyr1126Cys]WTMRKRRLDQ

ClinVar aggregate classification (germline): Uncertain significance (1 of 4 stars; one submission).

Submission:

GeneDx
Classification: Uncertain significance. Last evaluated: 2025-04-24. Review status: criteria provided, single submitter. Criteria: GeneDx Variant Classification Process June 2021. Collection method: clinical testing. Allele origin: germline. Affected: yes.
Comment: Not observed at significant frequency in large population cohorts (gnomAD); In silico analysis supports that this missense variant has a deleterious effect on protein structure/function; Has not been previously published as pathogenic or benign to our knowledge